The following is an entry in ClinVar:

NM_020297.4(ABCC9):c.2506-1G>A

Gene: ABCC9 (ATP binding cassette subfamily C member 9; minus strand). Cytogenetic location: 12p12.1.
Variant type: single nucleotide variant.
Coding change: c.2506-1G>A on transcript NM_020297.4 (MANE Select); the canonical splice acceptor site of the intron before coding-DNA position 2506, G replaced by A.
Molecular consequence: splice acceptor variant.
Genome position (GRCh38, 1-based): chr12:21,852,506, C>T on the plus strand (G>A on the coding strand, the complement: ABCC9 is on the minus strand). VCF-style: chr12-21852506-C-T. GRCh37 (hg19) VCF-style: chr12-22005440-C-T.
Other names: c.1639-1G>A (NM_001377274.1); c.2506-1G>A (NM_005691.4, NM_001377273.1).
Identifiers: ClinVar variation 1705465 (VCV001705465.4), dbSNP rs2541137951, ClinGen allele CA384125890.
Genomic context (GRCh38, chr12:21,852,506, plus strand): 5'-AATCCCCTCCTGCATTAAATGATCACTCAAGTGAATGTCCAGGGCTGAGAATGGATCATC[C>T]TGCAATCAGTAAAATGGAGGAAAGATGGACGTTTTCTATACTTGTTACATAACTCAATTC-3'

ClinVar aggregate classification (germline): Pathogenic/Likely pathogenic. Review status: criteria provided, multiple submitters, no conflicts (2 of 4 stars). 2 submissions from 2 submitters: Pathogenic (1); Likely pathogenic (1). Last evaluated 2024-10-01.

Conditions:
Intellectual disability and myopathy syndrome (IDMYS). Identifiers: MedGen C5676904, MONDO:0859224, OMIM 619719.
Dilated cardiomyopathy 1O (CMD1O). Also called: CARDIOMYOPATHY, DILATED, WITH VENTRICULAR TACHYCARDIA. Identifiers: Orphanet 154, MedGen C1837839, MONDO:0012062, OMIM 608569.

Allele frequency attached by ClinVar (database versions not stated): gnomAD exomes below 0.00001.
gnomAD v4.1: 5 of 1,609,878 alleles (0.00031%); highest among the groups gnomAD compares: Non-Finnish European, 0.00042%; no homozygotes.

Submissions (2):

Labcorp Genetics (formerly Invitae), Labcorp
Classification: Likely pathogenic for Dilated cardiomyopathy 1O. Last evaluated: 2024-10-01. Review status: criteria provided, single submitter. Criteria: Invitae Variant Classification Sherloc (09022015). Collection method: clinical testing. Allele origin: germline.
Comment: This sequence change affects an acceptor splice site in intron 20 of the ABCC9 gene. It is expected to disrupt RNA splicing. Variants that disrupt the donor or acceptor splice site typically lead to a loss of protein function (PMID: 16199547), and loss-of-function variants in ABCC9 are known to be pathogenic (PMID: 31575858, 38217872). This variant is not present in population databases (gnomAD no frequency). This variant has not been reported in the literature in individuals affected with ABCC9-related conditions. ClinVar contains an entry for this variant (Variation ID: 1705465). Algorithms developed to predict the effect of sequence changes on RNA splicing suggest that this variant may disrupt the consensus splice site. In summary, the currently available evidence indicates that the variant is pathogenic, but additional data are needed to prove that conclusively. Therefore, this variant has been classified as Likely Pathogenic.

3billion
Classification: Pathogenic for Intellectual disability and myopathy syndrome. Last evaluated: 2022-09-01. Review status: criteria provided, single submitter. Criteria: ACMG Guidelines, 2015. Collection method: clinical testing. Allele origin: germline. Affected: yes. Observed: 1 homozygote.
Comment: The variant is not observed in the gnomAD v2.1.1 dataset. Canonical splice site is predicted to alter splicing and result in a loss or disruption of normal protein function. Multiple pathogenic loss-of-function variants are reported downstream of the variant. Therefore, this variant is classified as Likely pathogenic according to the recommendation of ACMG/AMP guideline.

Literature cited by the submitters: PubMed 16199547 (cited by Labcorp Genetics (formerly Invitae), Labcorp); PubMed 31575858 (cited by Labcorp Genetics (formerly Invitae), Labcorp); PubMed 38217872 (cited by Labcorp Genetics (formerly Invitae), Labcorp).